The following is an entry in ClinVar:

NM_000368.5(TSC1):c.1489G>C (p.Val497Leu)

Gene: TSC1 (TSC complex subunit 1; minus strand). Cytogenetic location: 9q34.13.
Variant type: single nucleotide variant.
Coding change: c.1489G>C on transcript NM_000368.5 (MANE Select); coding-DNA position 1489, G replaced by C.
Protein change: p.Val497Leu; replaces valine 497 with leucine.
Molecular consequence: missense variant.
Genome position (GRCh38, 1-based): chr9:132,906,089, C>G on the plus strand (G>C on the coding strand, the complement: TSC1 is on the minus strand). VCF-style: chr9-132906089-C-G. GRCh37 (hg19) VCF-style: chr9-135781476-C-G.
Other names: c.1486G>C, p.Val496Leu (NM_001162426.2); c.1336G>C, p.Val446Leu (NM_001162427.2); c.1126G>C, p.Val376Leu (NM_001362177.2); short protein forms V497L, V376L, V496L, V446L.
Identifiers: ClinVar variation 466031 (VCV000466031.19), dbSNP rs946491568, ClinGen allele CA200889097.

ClinVar aggregate classification (germline): Conflicting classifications of pathogenicity. Review status: criteria provided, conflicting classifications (1 of 4 stars). 4 submissions from 4 submitters: Uncertain significance (1); Benign (1); Likely benign (2). Last evaluated 2026-03-01.

Conditions:
Tuberous sclerosis 1 (TSC1). Identifiers: Orphanet 805, MedGen C1854465, MONDO:0008612, OMIM 191100.
Tuberous sclerosis syndrome (TSC). Also called: Tuberous Sclerosis Complex; Tuberous sclerosis. Identifiers: Orphanet 805, MedGen C0041341, MONDO:0001734.
Hereditary cancer-predisposing syndrome. Also called: Hereditary neoplastic syndrome; Tumor predisposition; Neoplastic Syndromes, Hereditary; Hereditary Cancer Syndrome. Identifiers: Orphanet 140162, MedGen C0027672, MeSH D009386, MONDO:0015356.

Allele frequency attached by ClinVar (database versions not stated): gnomAD 0.00001; gnomAD exomes below 0.00001 and 0.00001; TOPMed 0.00001.
gnomAD v4.1: 17 of 1,613,840 alleles (0.0011%); highest among the groups gnomAD compares: Non-Finnish European, 0.0014%; no homozygotes.

Submissions (4):

CeGaT Center for Human Genetics Tuebingen
Classification: Likely benign. Last evaluated: 2026-03-01. Review status: criteria provided, single submitter. Criteria: CeGaT Center For Human Genetics Tuebingen Variant Classification Criteria Version 2. Collection method: clinical testing. Allele origin: germline. Affected: yes. Observed: 1 variant allele.
Comment: TSC1: PP2, BP4, BS2

Labcorp Genetics (formerly Invitae), Labcorp
Classification: Benign for Tuberous sclerosis 1. Last evaluated: 2025-09-16. Review status: criteria provided, single submitter. Criteria: Invitae Variant Classification Sherloc (09022015). Collection method: clinical testing. Allele origin: germline.

All of Us Research Program, National Institutes of Health
Classification: Uncertain significance for Tuberous sclerosis syndrome. Last evaluated: 2024-08-06. Review status: criteria provided, single submitter. Criteria: ACMG Guidelines, 2015. Collection method: clinical testing. Allele origin: germline. Inheritance: Autosomal dominant inheritance. Observed: 2 variant alleles, 2 heterozygotes.
Comment: This study involves interpretation of variants in research participants for the purpose of population health screening. Participant phenotype was not available at the time of variant classification. Additional details can be found in publication PMID: 35346344, PMCID: PMC8962531

Ambry Genetics
Classification: Likely benign for Hereditary cancer-predisposing syndrome. Last evaluated: 2020-11-13. Review status: criteria provided, single submitter. Criteria: Ambry Variant Classification Scheme 2023. Collection method: clinical testing. Allele origin: germline.